The following is an entry in ClinVar:

ClinVar aggregate classification (germline): Likely benign. Review status: criteria provided, multiple submitters, no conflicts (2 of 4 stars). 5 submissions from 5 submitters: Likely benign (5). Last evaluated 2025-03-19.

Conditions:
Autosomal dominant nonsyndromic hearing loss 4A. Also called: Deafness, autosomal dominant 4A. Identifiers: Orphanet 90635, MedGen C1833503, MONDO:0010915, OMIM 600652.
MYH14-related disorder. Also called: MYH14-related condition.

Allele frequency attached by ClinVar (database versions not stated): ESP Exome Variant Server 0.00015; 1000 Genomes Project 0.00020; gnomAD 0.00021 and 0.00022; TOPMed 0.00027; gnomAD exomes 0.00028; 1000 Genomes Project 30x 0.00031; ExAC 0.00052.

Submissions (5):

Labcorp Genetics (formerly Invitae), Labcorp
Classification: Likely benign. Last evaluated: 2025-03-19. Review status: criteria provided, single submitter. Criteria: Invitae Variant Classification Sherloc (09022015). Collection method: clinical testing. Allele origin: germline.

PreventionGenetics, part of Exact Sciences
Classification: Likely benign for MYH14-related condition. Last evaluated: 2024-11-08. Review status: criteria provided, single submitter. Criteria: ACMG Guidelines, 2015. Collection method: clinical testing. Allele origin: germline.
Comment: This variant is classified as likely benign based on ACMG/AMP sequence variant interpretation guidelines (Richards et al. 2015 PMID: 25741868, with internal and published modifications).

CeGaT Center for Human Genetics Tuebingen
Classification: Likely benign. Last evaluated: 2022-09-01. Review status: criteria provided, single submitter. Criteria: CeGaT Center For Human Genetics Tuebingen Variant Classification Criteria Version 2. Collection method: clinical testing. Allele origin: germline. Affected: yes. Observed: 1 variant allele.
Comment: MYH14: BS2

GeneDx
Classification: Likely benign. Last evaluated: 2020-08-04. Review status: criteria provided, single submitter. Criteria: GeneDx Variant Classification Process June 2021. Collection method: clinical testing. Allele origin: germline. Affected: yes.
Comment: In silico analysis supports that this missense variant has a deleterious effect on protein structure/function; Has not been previously published as pathogenic or benign to our knowledge

Illumina Laboratory Services, Illumina
Classification: Likely benign for Autosomal dominant nonsyndromic hearing loss 4A. Last evaluated: 2018-01-13. Review status: criteria provided, single submitter. Criteria: ICSL Variant Classification Criteria 13 December 2019. Collection method: clinical testing. Allele origin: germline.
Comment: This variant was observed in the ICSL laboratory as part of a predisposition screen in an ostensibly healthy population. It had not been previously curated by ICSL or reported in the Human Gene Mutation Database (HGMD: prior to June 1st, 2018), and was therefore a candidate for classification through an automated scoring system. Utilizing variant allele frequency, disease prevalence and penetrance estimates, and inheritance mode, an automated score was calculated to assess if this variant is too frequent to cause the disease. Based on the score and internal cut-off values, a variant classified as likely benign is not then subjected to further curation. The score for this variant resulted in a classification of likely benign for this disease.

NM_001145809.2(MYH14):c.2645C>T (p.Ala882Val)

Gene: MYH14 (myosin heavy chain 14; plus strand). Cytogenetic location: 19q13.33.
Variant type: single nucleotide variant.
Coding change: c.2645C>T on transcript NM_001145809.2 (MANE Select); coding-DNA position 2645, C replaced by T.
Protein change: p.Ala882Val; replaces alanine 882 with valine.
Molecular consequence: missense variant.
Genome position (GRCh38, 1-based): chr19:50,263,371, C>T. VCF-style: chr19-50263371-C-T. GRCh37 (hg19) VCF-style: chr19-50766628-C-T.
Other names: c.2645C>T (NM_001145809.1); c.2546C>T, p.Ala849Val (NM_001077186.2); c.2522C>T, p.Ala841Val (NM_024729.4); short protein forms A882V, A841V, A849V.
Identifiers: ClinVar variation 893635 (VCV000893635.39), dbSNP rs202065396, ClinGen allele CA9593021.
Genomic context (GRCh38, chr19:50,263,371, plus strand): 5'-GGGCCTTCCAGAAGCGCCAGCAGCAGCAGAGCGCCCTGAGGGTGATGCAGCGGAACTGCG[C>T]GGCCTACCTCAAGCTGAGACACTGGCAGTGGTGGCGGCTGTTTACCAAGGTGAGGGCAGC-3'
Protein context (NP_001139281.1, residues 872-892): SALRVMQRNC[Ala882Val]AYLKLRHWQW